The following is an entry in ClinVar:

ClinVar aggregate classification (germline): Likely pathogenic (1 of 4 stars; one submission).

Conditions:
Catecholaminergic polymorphic ventricular tachycardia 1. Also called: RYR2-Related Catecholaminergic Polymorphic Ventricular Tachycardia; VENTRICULAR TACHYCARDIA, CATECHOLAMINERGIC POLYMORPHIC, 1, WITH OR WITHOUT ATRIAL DYSFUNCTION AND/OR DILATED CARDIOMYOPATHY; VENTRICULAR TACHYCARDIA, STRESS-INDUCED POLYMORPHIC 1. Identifiers: Orphanet 3286, MedGen C1631597, MONDO:0011484, OMIM 604772.

gnomAD v4.1: 1 of 1,551,076 alleles (0.000064%); no homozygotes.

Submission:

Labcorp Genetics (formerly Invitae), Labcorp
Classification: Likely pathogenic for Catecholaminergic polymorphic ventricular tachycardia 1. Last evaluated: 2025-03-26. Review status: criteria provided, single submitter. Criteria: Invitae Variant Classification Sherloc (09022015). Collection method: clinical testing. Allele origin: germline.
Comment: This sequence change affects an acceptor splice site in intron 7 of the TRDN gene. It is expected to disrupt RNA splicing. Variants that disrupt the donor or acceptor splice site typically lead to a loss of protein function (PMID: 16199547), and loss-of-function variants in TRDN are known to be pathogenic (PMID: 22422768, 25922419, 26200674, 30649896). This variant is not present in population databases (gnomAD no frequency). This variant has not been reported in the literature in individuals affected with TRDN-related conditions. ClinVar contains an entry for this variant (Variation ID: 2730579). Algorithms developed to predict the effect of sequence changes on RNA splicing suggest that this variant may disrupt the consensus splice site. In summary, the currently available evidence indicates that the variant is pathogenic, but additional data are needed to prove that conclusively. Therefore, this variant has been classified as Likely Pathogenic.

Literature cited by the submitters: PubMed 16199547; PubMed 22422768; PubMed 25922419; PubMed 26200674; PubMed 30649896.

NM_006073.4(TRDN):c.611-1G>A

Gene: TRDN (triadin; minus strand). Cytogenetic location: 6q22.31.
Variant type: single nucleotide variant.
Coding change: c.611-1G>A on transcript NM_006073.4 (MANE Select); the canonical splice acceptor site of the intron before coding-DNA position 611, G replaced by A.
Molecular consequence: splice acceptor variant.
Genome position (GRCh38, 1-based): chr6:123,503,902, C>T on the plus strand (G>A on the coding strand, the complement: TRDN is on the minus strand). VCF-style: chr6-123503902-C-T. GRCh37 (hg19) VCF-style: chr6-123825047-C-T.
Other names: c.611-1G>A (NM_001407315.1, NM_001251987.2, NM_001256020.2 and 1 more transcripts).
Identifiers: ClinVar variation 2730579 (VCV002730579.3), dbSNP rs1778806259, ClinGen allele CA365567953.
Genomic context (GRCh38, chr6:123,503,902, plus strand): 5'-CTTTCACTTCCTTTTTAGTCTTTTCTTCACTCTTTTCTGCAGTCTTAGCTTTCTTCTGTT[C>T]TGTATAAAGTTAAAAGATGTTGAAATACTTTTGTTTATTTACAAACATAATGTTTCATCT-3'